The following is an entry in ClinVar:

NM_000360.4(TH):c.293G>C (p.Arg98Pro)

Gene: TH (tyrosine hydroxylase; minus strand). Cytogenetic location: 11p15.5.
Variant type: single nucleotide variant.
Coding change: c.293G>C on transcript NM_000360.4 (MANE Select); coding-DNA position 293, G replaced by C.
Protein change: p.Arg98Pro; replaces arginine 98 with proline.
Molecular consequence: missense variant.
Genome position (GRCh38, 1-based): chr11:2,169,669, C>G on the plus strand (G>C on the coding strand, the complement: TH is on the minus strand). VCF-style: chr11-2169669-C-G. GRCh37 (hg19) VCF-style: chr11-2190899-C-G.
Other names: c.386G>C, p.Arg129Pro (NM_199292.3); c.374G>C, p.Arg125Pro (NM_199293.3); short protein forms R129P, R98P, R125P.
Identifiers: ClinVar variation 941285 (VCV000941285.10), dbSNP rs375214998, ClinGen allele CA5818733.

ClinVar aggregate classification (germline): Uncertain significance. Review status: criteria provided, multiple submitters, no conflicts (2 of 4 stars). 3 submissions from 3 submitters: Uncertain significance (2). 1 of the submissions does not count toward it. Last evaluated 2025-11-03.

Conditions:
Inborn genetic diseases. Identifiers: MedGen C0950123, MeSH D030342.
TH-deficient dopa-responsive dystonia. Also called: Tyrosine Hydroxylase-Deficient Dopa-Responsive Dystonia; DYT-TH; Segawa syndrome, autosomal recessive. Identifiers: Orphanet 101150, MedGen C2673535, MONDO:0011551, OMIM 605407.

Allele frequency attached by ClinVar (database versions not stated): TOPMed 0.00002.

Submissions (3):

Ambry Genetics
Classification: Uncertain significance for Inborn genetic diseases. Last evaluated: 2025-11-03. Review status: criteria provided, single submitter. Criteria: Ambry Variant Classification Scheme 2023. Collection method: clinical testing. Allele origin: germline.

Labcorp Genetics (formerly Invitae), Labcorp
Classification: Uncertain significance for TH-deficient dopa-responsive dystonia. Last evaluated: 2024-09-10. Review status: criteria provided, single submitter. Criteria: Invitae Variant Classification Sherloc (09022015). Collection method: clinical testing. Allele origin: germline.
Comment: This sequence change replaces arginine, which is basic and polar, with proline, which is neutral and non-polar, at codon 129 of the TH protein (p.Arg129Pro). This variant is present in population databases (rs375214998, gnomAD 0.003%). This variant has not been reported in the literature in individuals affected with TH-related conditions. ClinVar contains an entry for this variant (Variation ID: 941285). Invitae Evidence Modeling of protein sequence and biophysical properties (such as structural, functional, and spatial information, amino acid conservation, physicochemical variation, residue mobility, and thermodynamic stability) has been performed for this missense variant. However, the output from this modeling did not meet the statistical confidence thresholds required to predict the impact of this variant on TH protein function. In summary, the available evidence is currently insufficient to determine the role of this variant in disease. Therefore, it has been classified as a Variant of Uncertain Significance.

Natera, Inc.
Classification: Uncertain significance for Autosomal recessive Segawa syndrome. Last evaluated: 2020-02-26. Review status: no assertion criteria provided. Collection method: clinical testing. Allele origin: germline. Not counted in ClinVar's aggregate classification.